The following is an entry in ClinVar:

NM_002185.5(IL7R):c.772A>T (p.Ile258Phe)

Gene: IL7R (interleukin 7 receptor; plus strand). Cytogenetic location: 5p13.2.
Variant type: single nucleotide variant.
Coding change: c.772A>T on transcript NM_002185.5 (MANE Select); coding-DNA position 772, A replaced by T.
Protein change: p.Ile258Phe; replaces isoleucine 258 with phenylalanine.
Molecular consequence: missense variant.
Genome position (GRCh38, 1-based): chr5:35,874,514, A>T. VCF-style: chr5-35874514-A-T. GRCh37 (hg19) VCF-style: chr5-35874616-A-T.
Other names: c.772A>T (NM_002185.2); short protein forms I258F.
Identifiers: ClinVar variation 636576 (VCV000636576.10), dbSNP rs200150755, ClinGen allele CA3232086.
Genomic context (GRCh38, chr5:35,874,514, plus strand): 5'-ATGGATCCTATCTTACTAACCATCAGCATTTTGAGTTTTTTCTCTGTCGCTCTGTTGGTC[A>T]TCTTGGCCTGTGTGTTATGGAAAAAAAGGTGACCTTCTTCAACTAATAAAGAGGGTGATT-3'
Protein context (NP_002176.2, residues 248-268): LSFFSVALLV[Ile258Phe]LACVLWKKRI

ClinVar aggregate classification (germline): Uncertain significance. Review status: criteria provided, multiple submitters, no conflicts (2 of 4 stars). 3 submissions from 3 submitters: Uncertain significance (3). Last evaluated 2025-02-13.

Conditions:
Inborn genetic diseases. Identifiers: MedGen C0950123, MeSH D030342.
Immunodeficiency 104. Also called: Severe Combined Immune Deficiency, Autosomal Recessive, TCell -Negative, B Cell-Positive, NK Cell-Positive, IL7R-Related; IMMUNODEFICIENCY 104, SEVERE COMBINED; Severe combined immunodeficiency, autosomal recessive, T cell-negative, B cell-positive, NK cell-positive; SCID, AUTOSOMAL RECESSIVE, T CELL-NEGATIVE, B CELL-POSITIVE, NK CELL-POSITIVE. Identifiers: MedGen C5676890, MONDO:0012163, OMIM 608971.

Allele frequency attached by ClinVar (database versions not stated): TOPMed 0.00002; gnomAD 0.00006.
gnomAD v4.1: 42 of 1,613,364 alleles (0.0026%); highest among the groups gnomAD compares: Non-Finnish European, 0.0031%; no homozygotes.

Submissions (3):

Ambry Genetics
Classification: Uncertain significance for Inborn genetic diseases. Last evaluated: 2025-02-13. Review status: criteria provided, single submitter. Criteria: Ambry Variant Classification Scheme 2023. Collection method: clinical testing. Allele origin: germline.

Labcorp Genetics (formerly Invitae), Labcorp
Classification: Uncertain significance for Immunodeficiency 104. Last evaluated: 2021-09-02. Review status: criteria provided, single submitter. Criteria: Invitae Variant Classification Sherloc (09022015). Collection method: clinical testing. Allele origin: germline.
Comment: This sequence change replaces isoleucine with phenylalanine at codon 258 of the IL7R protein (p.Ile258Phe). The isoleucine residue is highly conserved and there is a small physicochemical difference between isoleucine and phenylalanine. This variant is present in population databases (rs200150755, ExAC 0.006%). This variant has not been reported in the literature in individuals affected with IL7R-related conditions. Algorithms developed to predict the effect of missense changes on protein structure and function are either unavailable or do not agree on the potential impact of this missense change (SIFT: "Deleterious"; PolyPhen-2: "Possibly Damaging"; Align-GVGD: "Class C0"). In summary, the available evidence is currently insufficient to determine the role of this variant in disease. Therefore, it has been classified as a Variant of Uncertain Significance.

Blueprint Genetics
Classification: Uncertain significance. Last evaluated: 2020-01-21. Review status: criteria provided, single submitter. Criteria: ACMG Guidelines, 2015. Collection method: clinical testing. Allele origin: germline.